The following is an entry in ClinVar:

ClinVar aggregate classification (germline): Uncertain significance (1 of 4 stars; one submission).

Submission:

GeneDx
Classification: Uncertain significance. Last evaluated: 2025-01-09. Review status: criteria provided, single submitter. Criteria: GeneDx Variant Classification Process June 2021. Collection method: clinical testing. Allele origin: germline. Affected: yes.
Comment: In silico analysis is inconclusive as to whether the variant alters gene splicing. In the absence of RNA/functional studies, the actual effect of this sequence change is unknown.; No data available from control populations to assess the frequency of this variant; Has not been previously published as pathogenic or benign to our knowledge

NM_001287491.2(TET3):c.14A>T (p.Gln5Leu)

Gene: TET3 (tet methylcytosine dioxygenase 3; plus strand). Cytogenetic location: 2p13.1.
Variant type: single nucleotide variant.
Coding change: c.14A>T on transcript NM_001287491.2 (MANE Select); coding-DNA position 14, A replaced by T.
Protein change: p.Gln5Leu; replaces glutamine 5 with leucine.
Molecular consequence: missense variant.
Genome position (GRCh38, 1-based): chr2:73,986,417, A>T. VCF-style: chr2-73986417-A-T. GRCh37 (hg19) VCF-style: chr2-74213544-A-T.
Other names: short protein forms Q5L.
Identifiers: ClinVar variation 4057001 (VCV004057001.1).